The following is an entry in ClinVar:

NM_005045.4(RELN):c.55dup (p.Ala19fs)

Gene: RELN (reelin; minus strand). Cytogenetic location: 7q22.1.
Variant type: Duplication.
Coding change: c.55dup on transcript NM_005045.4 (MANE Select); coding-DNA position 55, one base duplicated (G; older notation c.55dupG).
Protein change: p.Ala19fs; shifts the reading frame from alanine 19.
Molecular consequence: frameshift variant.
Genome position (GRCh38, 1-based): chr7:103,989,302, C duplicated on the plus strand (G on the coding strand, the reverse complement: RELN is on the minus strand); the first of 5 consecutive C bases (chr7:103,989,302-103,989,306); duplicating any one gives the same sequence. VCF-style (leftmost placement, unchanged base first): chr7-103989301-G-GC. GRCh37 (hg19) VCF-style: chr7-103629748-G-GC.
Other names: c.55dupG (NM_005045.3); c.55dup, p.Ala19fs (NM_173054.3); short protein forms A19fs.
Identifiers: ClinVar variation 504456 (VCV000504456.2), dbSNP rs1554453517, ClinGen allele CA658796986.

ClinVar aggregate classification (germline): Likely pathogenic (1 of 4 stars; one submission).

Submission:

GeneDx
Classification: Likely pathogenic. Last evaluated: 2018-02-27. Review status: criteria provided, single submitter. Criteria: GeneDx Variant Classification (06012015). Collection method: clinical testing. Allele origin: germline. Affected: yes.
Comment: A variant that is likely pathogenic has been identified in the RELN gene. The c.55dupG variant has not been published as a pathogenic variant, nor has it been reported as a benign variant to our knowledge. The c.55dupG variant causes a frameshift starting with codon Alanine 19, changes this amino acid to a Glycine residue, and creates a premature Stop codon at position 67 of the new reading frame, denoted p.Ala19GlyfsX67. This variant is predicted to cause loss of normal protein function either through protein truncation or nonsense-mediated mRNA decay. Furthermore, the c.55dupG variant is not observed in large population cohorts (Lek et al., 2016). Therefore, this variant is likely pathogenic; however, the possibility that it is benign cannot be excluded.